The following is an entry in ClinVar:

NM_022835.3(PLEKHG2):c.969C>T (p.Gly323=)

Gene: PLEKHG2 (pleckstrin homology and RhoGEF domain containing G2; plus strand). Cytogenetic location: 19q13.2.
Variant type: single nucleotide variant.
Coding change: c.969C>T on transcript NM_022835.3 (MANE Select); coding-DNA position 969, C replaced by T.
Protein change: p.Gly323=; no amino-acid change (glycine 323 retained).
Molecular consequence: synonymous variant.
Genome position (GRCh38, 1-based): chr19:39,417,991, C>T. VCF-style: chr19-39417991-C-T. GRCh37 (hg19) VCF-style: chr19-39908631-C-T.
Other names: c.792C>T, p.Gly264= (NM_001351693.2); c.969C>T, p.Gly323= (NM_001351694.2).
Identifiers: ClinVar variation 2192415 (VCV002192415.14), dbSNP rs201527226, ClinGen allele CA9429301.

ClinVar aggregate classification (germline): Likely benign. Review status: criteria provided, multiple submitters, no conflicts (2 of 4 stars). 2 submissions from 2 submitters: Likely benign (2). Last evaluated 2025-06-22.

Allele frequency attached by ClinVar (database versions not stated): gnomAD 0.00007; TOPMed 0.00011; 1000 Genomes Project 30x 0.00016; ExAC 0.00018; 1000 Genomes Project 0.00020.
gnomAD v4.1: 96 of 1,552,798 alleles (0.0062%); highest among the groups gnomAD compares: Middle Eastern, 0.017%; no homozygotes.

Submissions (2):

Labcorp Genetics (formerly Invitae), Labcorp
Classification: Likely benign. Last evaluated: 2025-06-22. Review status: criteria provided, single submitter. Criteria: Invitae Variant Classification Sherloc (09022015). Collection method: clinical testing. Allele origin: germline.

CeGaT Center for Human Genetics Tuebingen
Classification: Likely benign. Last evaluated: 2025-06-01. Review status: criteria provided, single submitter. Criteria: CeGaT Center For Human Genetics Tuebingen Variant Classification Criteria Version 2. Collection method: clinical testing. Allele origin: germline. Affected: yes. Observed: 1 variant allele.
Comment: PLEKHG2: BP4, BP7